The following is an entry in ClinVar:

NM_000059.4(BRCA2):c.6937+15_6937+20del

Gene: BRCA2 (BRCA2 DNA repair associated; plus strand). Cytogenetic location: 13q13.1.
Variant type: Deletion.
Coding change: c.6937+15_6937+20del on transcript NM_000059.4 (MANE Select); bases 15 to 20 of the intron after coding-DNA position 6937, 6 bases deleted (TTATTT; older notation c.6937+15_6937+20delTTATTT).
Molecular consequence: intron variant.
Genome position (GRCh38, 1-based): chr13:32,344,668-32,344,673, TTATTT deleted; deleting any 6 consecutive bases within chr13:32,344,665-32,344,673 gives the same sequence; the c. name uses the placement nearest the transcript's 3' end. VCF-style (leftmost placement, unchanged base first): chr13-32344664-CTTTTTA-C. GRCh37 (hg19) VCF-style: chr13-32918801-CTTTTTA-C.
Other names: c.6937+15_6937+20delTTATTT (NM_000059.3).
Identifiers: ClinVar variation 507747 (VCV000507747.2), dbSNP rs1430325915, ClinGen allele CA609086918.
Genomic context (GRCh38, chr13:32,344,664, plus strand): 5'-AATAGAAAATCAAGAAAAATCCTTAAAGGCTTCAAAAAGCACTCCAGATGGTAAAATTAG[CTTTTTA>C]TTTATATCTGTTCTCCCTCTATAGGTATGGTATATAATATTCTGACCTCAGGTGATCCAC-3'

ClinVar aggregate classification (germline): Conflicting classifications of pathogenicity. Review status: criteria provided, conflicting classifications (1 of 4 stars). 2 submissions from 2 submitters: Uncertain significance (1); Likely benign (1). Last evaluated 2025-08-11.

Conditions:
Hereditary breast ovarian cancer syndrome. Also called: Hereditary breast and ovarian cancer syndrome; Breast and ovarian cancer; BRCA1- and BRCA2-Associated Hereditary Breast and Ovarian Cancer; Hereditary breast and ovarian cancer syndrome (HBOC); Hereditary breast and/or ovarian cancer syndrome; Hereditary breast and ovarian cancer. Identifiers: Orphanet 145, MedGen C0677776, MeSH D061325, MONDO:0003582. Disease mechanism: loss of function.

Submissions (2):

Labcorp Genetics (formerly Invitae), Labcorp
Classification: Uncertain significance for Hereditary breast ovarian cancer syndrome. Last evaluated: 2025-08-11. Review status: criteria provided, single submitter. Criteria: Invitae Variant Classification Sherloc (09022015). Collection method: clinical testing. Allele origin: germline.
Comment: This sequence change falls in intron 12 of the BRCA2 gene. It does not directly change the encoded amino acid sequence of the BRCA2 protein. This variant is present in population databases (no rsID available, gnomAD 0.01%). This variant has not been reported in the literature in individuals affected with BRCA2-related conditions. ClinVar contains an entry for this variant (Variation ID: 507747). Algorithms developed to predict the effect of sequence changes on RNA splicing suggest that this variant may disrupt the consensus splice site. In summary, the available evidence is currently insufficient to determine the role of this variant in disease. Therefore, it has been classified as a Variant of Uncertain Significance.

GeneDx
Classification: Likely benign. Last evaluated: 2017-03-01. Review status: criteria provided, single submitter. Criteria: GeneDx Variant Classification (06012015). Collection method: clinical testing. Allele origin: germline. Affected: yes.
Comment: This variant is considered likely benign or benign based on one or more of the following criteria: it is a conservative change, it occurs at a poorly conserved position in the protein, it is predicted to be benign by multiple in silico algorithms, and/or has population frequency not consistent with disease.